The following is an entry in ClinVar:

NM_152713.5(STT3A):c.985C>T (p.Arg329Cys)

Gene: STT3A (STT3 oligosaccharyltransferase complex catalytic subunit A; plus strand). Cytogenetic location: 11q24.2.
Variant type: single nucleotide variant.
Coding change: c.985C>T on transcript NM_152713.5 (MANE Select); coding-DNA position 985, C replaced by T.
Protein change: p.Arg329Cys; replaces arginine 329 with cysteine.
Molecular consequence: missense variant.
Genome position (GRCh38, 1-based): chr11:125,609,457, C>T. VCF-style: chr11-125609457-C-T. GRCh37 (hg19) VCF-style: chr11-125479352-C-T.
Other names: c.985C>T, p.Arg329Cys (NM_001278503.2); c.709C>T, p.Arg237Cys (NM_001278504.2); short protein forms R329C, R237C.
Identifiers: ClinVar variation 1334782 (VCV001334782.2), dbSNP rs2135932096, ClinGen allele CA383184979.
Genomic context (GRCh38, chr11:125,609,457, plus strand): 5'-AGTGTGTGTGGAATATTTATTGCCTCTTTGCTGCTAGGAAAAATATCTCCCTGGACGGGG[C>T]GTTTCTACTCGCTGCTGGATCCCTCTTATGCTAAGAACAACATCCCCATCATTGCTTCTG-3'
Protein context (NP_689926.1, residues 319-339): LTGKISPWTG[Arg329Cys]FYSLLDPSYA

ClinVar aggregate classification (germline): Uncertain significance. Review status: criteria provided, single submitter (1 of 4 stars). 2 submissions from 2 submitters: Uncertain significance (1). 1 of the submissions does not count toward it. Last evaluated 2022-06-16.

Conditions:
Congenital disorder of glycosylation, type Iw, autosomal dominant (CDG1WAD). Identifiers: MedGen C5562068, MONDO:0859223, OMIM 619714.

gnomAD v4.1: 1 of 1,611,286 alleles (0.000062%); no homozygotes.

Submissions (2):

SIB Swiss Institute of Bioinformatics
Classification: Uncertain significance for Congenital disorder of glycosylation, type Iw, autosomal dominant. Last evaluated: 2022-06-16. Review status: criteria provided, single submitter. Criteria: ACMG Guidelines, 2015. Collection method: curation. Allele origin: unknown.
Comment: This variant is interpreted as variant of uncertain significance for congenital disorder of glycosylation 1W, autosomal dominant. The following ACMG Tag(s) were applied: Absent from controls (or at extremely low frequency if recessive) in Exome Sequencing Project, 1000 Genomes Project, or Exome Aggregation Consortium (PM2); Multiple lines of computational evidence support a deleterious effect on the gene or gene product (PP3); Well-established functional studies show a deleterious effect (PS3 downgraded to moderate).

OMIM
Classification: Pathogenic for CONGENITAL DISORDER OF GLYCOSYLATION, TYPE Iw, AUTOSOMAL DOMINANT. Last evaluated: 2022-01-20. Review status: no assertion criteria provided. Collection method: literature only. Allele origin: germline. Not counted in ClinVar's aggregate classification.

Literature cited by the submitters: PubMed 34653363 (cited by SIB Swiss Institute of Bioinformatics and OMIM).